The following is an entry in ClinVar:

ClinVar aggregate classification (germline): Benign. Review status: criteria provided, multiple submitters, no conflicts (2 of 4 stars). 7 submissions from 2 submitters: Benign (7). Last evaluated 2021-05-14.

Conditions:
Anophthalmia-microphthalmia syndrome. Also called: Anophthalmia/Microphthalmia; Anophthalmia - microphthalmia. Identifiers: Orphanet 98555, MedGen C5680330, MONDO:0020147.
11p partial monosomy syndrome (WAGR). Also called: WAGR Spectrum Disorder; WAGR syndrome; WAGR Complex; CHROMOSOME 11p13 DELETION SYNDROME. Identifiers: Orphanet 893, MedGen C0206115, MONDO:0008681, OMIM 194072.
Autosomal dominant keratitis. Also called: Keratitis, hereditary. Identifiers: Orphanet 2334, MedGen C1835698, MONDO:0007848, OMIM 148190.
Foveal hypoplasia 1. Also called: FOVEAL HYPOPLASIA 1 WITH OR WITHOUT ANTERIOR SEGMENT ANOMALIES AND/OR CATARACT; FOVEAL HYPOPLASIA 1 WITH ANTERIOR SEGMENT ANOMALIES. Identifiers: Orphanet 2253, MedGen C3805604, MONDO:0007628, OMIM 136520.
Aniridia 1 (AN1). Identifiers: Orphanet 250923, MedGen C0344542, MONDO:0024507, OMIM 106210.
carboxymethyl-dextran-A2-gadolinium-DOTA.

Allele frequency attached by ClinVar (database versions not stated): gnomAD exomes 0.00527; 1000 Genomes Project 0.02556; gnomAD 0.02650; 1000 Genomes Project 30x 0.02748; TOPMed 0.03140.
gnomAD v4.1: 4,596 of 232,036 alleles (2%); highest among the groups gnomAD compares: African/African-American, 9.5%; 196 homozygotes.

Submissions (7):

GeneDx
Classification: Benign. Last evaluated: 2021-05-14. Review status: criteria provided, single submitter. Criteria: GeneDx Variant Classification Process June 2021. Collection method: clinical testing. Allele origin: germline. Affected: yes.

Illumina Laboratory Services, Illumina
Classification: Benign for Aniridia 1. Last evaluated: 2018-01-13. Review status: criteria provided, single submitter. Criteria: ICSL Variant Classification Criteria 13 December 2019. Collection method: clinical testing. Allele origin: germline.
Comment: This variant was observed in the ICSL laboratory as part of a predisposition screen in an ostensibly healthy population. It had not been previously curated by ICSL or reported in the Human Gene Mutation Database (HGMD: prior to June 1st, 2018), and was therefore a candidate for classification through an automated scoring system. Utilizing variant allele frequency, disease prevalence and penetrance estimates, and inheritance mode, an automated score was calculated to assess if this variant is too frequent to cause the disease. Based on the score and internal cut-off values, a variant classified as benign is not then subjected to further curation. The score for this variant resulted in a classification of benign for this disease.

Illumina Laboratory Services, Illumina
Classification: Benign for carboxymethyl-dextran-A2-gadolinium-DOTA. Last evaluated: 2018-01-13. Review status: criteria provided, single submitter. Criteria: ICSL Variant Classification Criteria 13 December 2019. Collection method: clinical testing. Allele origin: germline.
Comment: the same text as in the submission from Illumina Laboratory Services, Illumina above.

Illumina Laboratory Services, Illumina
Classification: Benign for Foveal hypoplasia 1. Last evaluated: 2018-01-13. Review status: criteria provided, single submitter. Criteria: ICSL Variant Classification Criteria 13 December 2019. Collection method: clinical testing. Allele origin: germline.
Comment: the same text as in the submission from Illumina Laboratory Services, Illumina above.

Illumina Laboratory Services, Illumina
Classification: Benign for Wilms tumor, aniridia, genitourinary anomalies, and mental retardation syndrome. Last evaluated: 2018-01-13. Review status: criteria provided, single submitter. Criteria: ICSL Variant Classification Criteria 13 December 2019. Collection method: clinical testing. Allele origin: germline.
Comment: the same text as in the submission from Illumina Laboratory Services, Illumina above.

Illumina Laboratory Services, Illumina
Classification: Benign for Anophthalmia-microphthalmia syndrome. Last evaluated: 2018-01-13. Review status: criteria provided, single submitter. Criteria: ICSL Variant Classification Criteria 13 December 2019. Collection method: clinical testing. Allele origin: germline.
Comment: the same text as in the submission from Illumina Laboratory Services, Illumina above.

Illumina Laboratory Services, Illumina
Classification: Benign for Autosomal dominant keratitis. Last evaluated: 2018-01-13. Review status: criteria provided, single submitter. Criteria: ICSL Variant Classification Criteria 13 December 2019. Collection method: clinical testing. Allele origin: germline.
Comment: the same text as in the submission from Illumina Laboratory Services, Illumina above.

NM_000280.4(PAX6):c.*2305G>A

Genes: ELP4 (elongator acetyltransferase complex subunit 4; plus strand), PAX6 (paired box 6; minus strand). Cytogenetic location: 11p13.
Variant type: single nucleotide variant.
Coding change: c.*2305G>A on transcript NM_000280.4; 2305 bases downstream of the stop codon, G replaced by A.
Molecular consequence: 3 prime UTR variant (on NM_019040.5).
Genome position (GRCh38, 1-based): chr11:31,787,629, C>T on the plus strand (G>A on the coding strand, the complement: PAX6 is on the minus strand). VCF-style: chr11-31787629-C-T. GRCh37 (hg19) VCF-style: chr11-31809177-C-T.
Other names: c.*4091C>T (NM_001288725.2); c.*4200C>T (NM_001288726.2); c.*4105C>T (NM_019040.5).
Identifiers: ClinVar variation 304332 (VCV000304332.9), dbSNP rs73477656, ClinGen allele CA10634593.